The following is an entry in ClinVar:

NM_032043.3(BRIP1):c.1000G>A (p.Ala334Thr)

Gene: BRIP1 (BRCA1 interacting DNA helicase 1; minus strand). Cytogenetic location: 17q23.2.
Variant type: single nucleotide variant.
Coding change: c.1000G>A on transcript NM_032043.3 (MANE Select); coding-DNA position 1000, G replaced by A.
Protein change: p.Ala334Thr; replaces alanine 334 with threonine.
Molecular consequence: missense variant.
Genome position (GRCh38, 1-based): chr17:61,801,393, C>T on the plus strand (G>A on the coding strand, the complement: BRIP1 is on the minus strand). VCF-style: chr17-61801393-C-T. GRCh37 (hg19) VCF-style: chr17-59878754-C-T.
Other names: short protein forms A334T.
Identifiers: ClinVar variation 230188 (VCV000230188.31), dbSNP rs535414791, ClinGen allele CA8690818.

ClinVar aggregate classification (germline): Uncertain significance. Review status: criteria provided, multiple submitters, no conflicts (2 of 4 stars). 8 submissions from 8 submitters: Uncertain significance (8). Last evaluated 2026-01-13.

Conditions:
Hereditary cancer-predisposing syndrome. Also called: Hereditary Cancer Syndrome; Neoplastic Syndromes, Hereditary; Tumor predisposition; Hereditary neoplastic syndrome. Identifiers: Orphanet 140162, MedGen C0027672, MeSH D009386, MONDO:0015356.
Fanconi anemia complementation group J. Also called: BRIP1-Related Fanconi Anemia. Identifiers: Orphanet 84, MedGen C1836860, MONDO:0012187, OMIM 609054.
Familial cancer of breast. Also called: Hereditary breast cancer; hereditary breast carcinoma; BREAST CANCER, FAMILIAL. Identifiers: Orphanet 227535, MedGen C0346153, MONDO:0016419, OMIM 114480. Disease mechanism: loss of function.

Allele frequency attached by ClinVar (database versions not stated): gnomAD exomes 0.00001; ExAC 0.00002; TOPMed 0.00003; gnomAD 0.00004 and 0.00005; 1000 Genomes Project 30x 0.00016; 1000 Genomes Project 0.00020.
gnomAD v4.1: 32 of 1,613,998 alleles (0.002%); highest among the groups gnomAD compares: African/African-American, 0.0093%; no homozygotes.

Submissions (8):

Labcorp Genetics (formerly Invitae), Labcorp
Classification: Uncertain significance for Familial cancer of breast; Fanconi anemia complementation group J. Last evaluated: 2026-01-13. Review status: criteria provided, single submitter. Criteria: Invitae Variant Classification Sherloc (09022015). Collection method: clinical testing. Allele origin: germline.
Comment: This sequence change replaces alanine, which is neutral and non-polar, with threonine, which is neutral and polar, at codon 334 of the BRIP1 protein (p.Ala334Thr). This variant is present in population databases (rs535414791, gnomAD 0.02%). This missense change has been observed in individual(s) with breast cancer (PMID: 26921362). ClinVar contains an entry for this variant (Variation ID: 230188). Invitae Evidence Modeling of protein sequence and biophysical properties (such as structural, functional, and spatial information, amino acid conservation, physicochemical variation, residue mobility, and thermodynamic stability) indicates that this missense variant is not expected to disrupt BRIP1 protein function with a negative predictive value of 95%. In summary, the available evidence is currently insufficient to determine the role of this variant in disease. Therefore, it has been classified as a Variant of Uncertain Significance.

Color Diagnostics, LLC DBA Color Health
Classification: Uncertain significance for Hereditary cancer-predisposing syndrome. Last evaluated: 2025-11-13. Review status: criteria provided, single submitter. Criteria: ACMG Guidelines, 2015. Collection method: clinical testing. Allele origin: germline.
Comment: This missense variant replaces alanine with threonine at codon 334 of the BRIP1 protein. Computational prediction is inconclusive regarding the impact of this variant on protein structure and function. To our knowledge, functional studies have not been reported for this variant. This variant has been reported in individuals affected with breast cancer in the literature (PMID: 26921362) and in a breast cancer case-control meta-analysis in 3/60466 cases and 2/53461 unaffected individuals (PMID: 33471991Leiden Open Variation Database DB-ID BRIP1_000611). This variant has been identified in 4/282702 chromosomes in the general population by the Genome Aggregation Database (gnomAD). The available evidence is insufficient to determine the role of this variant in disease conclusively. Therefore, this variant is classified as a Variant of Uncertain Significance.

Women's Health and Genetics/Laboratory Corporation of America, LabCorp
Classification: Uncertain significance. Last evaluated: 2025-08-07. Review status: criteria provided, single submitter. Criteria: LabCorp Variant Classification Summary - May 2015. Collection method: clinical testing. Allele origin: germline.
Comment: Variant summary: BRIP1 c.1000G>A (p.Ala334Thr) results in a non-conservative amino acid change located in the Helicase superfamily 1/2, ATP-binding domain, DinG/Rad3-type of the encoded protein sequence. Algorithms developed to predict the effect of missense changes on protein structure and function all suggest that this variant is likely to be disruptive. The variant allele was found at a frequency of 1.1e-05 in 261784 control chromosomes, predominantly at a frequency of 0.00018 within the African or African-American subpopulation in the gnomAD database. The available data on variant occurrences in the general population are insufficient to allow any conclusion about variant significance. c.1000G>A has been observed in individuals affected with Hereditary Breast Cancer (Easton_2016). These report(s) do not provide unequivocal conclusions about association of the variant with Hereditary Breast And Ovarian Cancer Syndrome. To our knowledge, no experimental evidence demonstrating an impact on protein function has been reported. The following publication have been ascertained in the context of this evaluation (PMID: 26921362). ClinVar contains an entry for this variant (Variation ID: 230188). Based on the evidence outlined above, the variant was classified as uncertain significance.

Fulgent Genetics
Classification: Uncertain significance for Familial cancer of breast; Fanconi anemia complementation group J. Last evaluated: 2024-06-21. Review status: criteria provided, single submitter. Criteria: ACMG Guidelines, 2015. Collection method: clinical testing. Allele origin: germline.

Ambry Genetics
Classification: Uncertain significance for Hereditary cancer-predisposing syndrome. Last evaluated: 2024-01-10. Review status: criteria provided, single submitter. Criteria: Ambry Variant Classification Scheme 2023. Collection method: clinical testing. Allele origin: germline.
Comment: The p.A334T variant (also known as c.1000G>A), located in coding exon 7 of the BRIP1 gene, results from a G to A substitution at nucleotide position 1000. The alanine at codon 334 is replaced by threonine, an amino acid with similar properties. In one study investigating breast cancer risk in assocation with BRIP1 variants, this alteration was detected in 1/1853 cases and not in 2001 controls (Easton DF et al. J. Med. Genet. 2016 05;53(5):298-309). This amino acid position is highly conserved in available vertebrate species. In addition, the in silico prediction for this alteration is inconclusive. Since supporting evidence is limited at this time, the clinical significance of this alteration remains unclear.

Department of Pathology and Laboratory Medicine, Sinai Health System
Classification: Uncertain significance for Familial cancer of breast. Last evaluated: 2023-11-20. Review status: criteria provided, single submitter. Criteria: ACMG Guidelines, 2015. Collection method: clinical testing. Allele origin: germline. Affected: yes.

GeneDx
Classification: Uncertain significance. Last evaluated: 2023-02-06. Review status: criteria provided, single submitter. Criteria: GeneDx Variant Classification Process June 2021. Collection method: clinical testing. Allele origin: germline. Affected: yes.
Comment: Observed in large population cohorts (gnomAD; internal data); In silico analysis supports that this missense variant has a deleterious effect on protein structure/function; Observed in individuals with a personal or family history of breast cancer (Easton et al., 2016); This variant is associated with the following publications: (PMID: 26921362)

Illumina Laboratory Services, Illumina
Classification: Uncertain significance for Fanconi anemia complementation group J. Last evaluated: 2018-01-12. Review status: criteria provided, single submitter. Criteria: ICSL Variant Classification Criteria 13 December 2019. Collection method: clinical testing. Allele origin: germline.

Literature cited by the submitters: PubMed 26921362 (cited by 4 submitters); PubMed 33471991 (cited by Color Diagnostics, LLC DBA Color Health).